The following is an entry in ClinVar:

NM_001393504.1(MAST3):c.1630G>A (p.Gly544Ser)

Gene: MAST3 (microtubule associated serine/threonine kinase 3; plus strand). Cytogenetic location: 19p13.11.
Variant type: single nucleotide variant.
Coding change: c.1630G>A on transcript NM_001393504.1 (MANE Select); coding-DNA position 1630, G replaced by A.
Protein change: p.Gly544Ser; replaces glycine 544 with serine.
Molecular consequence: missense variant.
Genome position (GRCh38, 1-based): chr19:18,134,637, G>A. VCF-style: chr19-18134637-G-A. GRCh37 (hg19) VCF-style: chr19-18245447-G-A.
Other names: G515S; c.1543G>A (NM_015016.1); c.1654G>A, p.Gly552Ser (NM_001393501.1); c.1633G>A, p.Gly545Ser (NM_001393502.1); c.1630G>A, p.Gly544Ser (NM_001393503.1); c.1627G>A, p.Gly543Ser (NM_001393505.1); c.1582G>A, p.Gly528Ser (NM_001393506.1, NM_001393513.1); c.1609G>A, p.Gly537Ser (NM_001393507.1); and 6 more; short protein forms G506S, G514S, G520S, G521S, G522S, G528S, G537S, G543S.
Identifiers: ClinVar variation 1723192 (VCV001723192.6), dbSNP rs2041698726, ClinGen allele CA404814173.

ClinVar aggregate classification (germline): Pathogenic. Review status: criteria provided, multiple submitters, no conflicts (2 of 4 stars). 4 submissions from 4 submitters: Pathogenic (3). 1 of the submissions does not count toward it. Last evaluated 2026-05-01.

Conditions:
Developmental and epileptic encephalopathy 108 (DEE108). Identifiers: MedGen C5774253, MONDO:0859314, OMIM 620115.

Allele frequency attached by ClinVar (database versions not stated): TOPMed below 0.00001.
gnomAD v4.1: 1 of 1,613,300 alleles (0.000062%); no homozygotes.

Submissions (4):

CeGaT Center for Human Genetics Tuebingen
Classification: Pathogenic. Last evaluated: 2026-05-01. Review status: criteria provided, single submitter. Criteria: CeGaT Center For Human Genetics Tuebingen Variant Classification Criteria Version 2. Collection method: clinical testing. Allele origin: germline. Affected: yes. Observed: 1 variant allele.
Comment: MAST3: PS2, PM1, PS4:Moderate, PM2:Supporting, PP2, PS3:Supporting

Institute of Human Genetics, University of Leipzig Medical Center
Classification: Pathogenic for Developmental and epileptic encephalopathy 108. Last evaluated: 2024-11-21. Review status: criteria provided, single submitter. Criteria: ACMG Guidelines, 2015. Collection method: clinical testing. Allele origin: unknown. Inheritance: Autosomal dominant inheritance. Affected: yes.
Comment: Criteria applied: PS2_VSTR,PS3_SUP,PS4_MOD,PM2_SUP,PP2,PP3

Victorian Clinical Genetics Services, Murdoch Childrens Research Institute
Classification: Pathogenic for Developmental and epileptic encephalopathy 108. Last evaluated: 2023-12-21. Review status: criteria provided, single submitter. Criteria: ACMG Guidelines, 2015. Collection method: clinical testing. Allele origin: germline. Inheritance: Autosomal dominant inheritance. Affected: yes.
Comment: Based on the classification scheme VCGS_Germline_v1.3.4, this variant is classified as Pathogenic. Following criteria are met: 0101 - Gain of function is a known mechanism of disease in this gene and is associated with developmental and epileptic encephalopathy 108 (MIM#620115) (PMID: 34185323). (I) 0107 - This gene is associated with autosomal dominant disease. (I) 0200 - Variant is predicted to result in a missense amino acid change from glycine to serine. (I) 0251 - This variant is heterozygous. (I) 0301 - Variant is absent from gnomAD (both v2 and v3). (SP) 0502 - Missense variant with conflicting in silico predictions and high conservation. (I) 0600 - Variant is located in the annotated serine/threonine kinase (STK) domain (PMID: 34185323). (I) 0801 - This variant has strong previous evidence of pathogenicity in unrelated individuals. It has been detected in individuals with developmental delay and epileptic encephalopathy, and shown to be de novo in at least two families (PMIDs: 34185323, 35095415). (SP) Legend: (SP) - Supporting pathogenic, (I) - Information, (SB) - Supporting benign

OMIM
Classification: Pathogenic for DEVELOPMENTAL AND EPILEPTIC ENCEPHALOPATHY 108. Last evaluated: 2022-11-10. Review status: no assertion criteria provided. Collection method: literature only. Allele origin: germline. Not counted in ClinVar's aggregate classification.

Literature cited by the submitters: PubMed 34185323 (cited by Victorian Clinical Genetics Services, Murdoch Childrens Research Institute and OMIM); PubMed 35095415 (cited by Victorian Clinical Genetics Services, Murdoch Childrens Research Institute and OMIM).